The following is an entry in ClinVar:

ClinVar aggregate classification (germline): Uncertain significance (1 of 4 stars; one submission).

Conditions:
PLCG1-related disorder. Also called: PLCG1-related condition.

gnomAD v4.1: 26 of 1,614,160 alleles (0.0016%); highest among the groups gnomAD compares: Non-Finnish European, 0.0022%; no homozygotes.

Submission:

PreventionGenetics, part of Exact Sciences
Classification: Uncertain significance for PLCG1-related condition. Last evaluated: 2026-03-05. Review status: criteria provided, single submitter. Criteria: ACMG Guidelines, 2015. Collection method: clinical testing. Allele origin: germline.
Comment: The PLCG1 c.2132A>G variant is predicted to result in the amino acid substitution p.Lys711Arg. To our knowledge, this variant has not been reported in the literature or in a large population database (gnomAD), indicating this variant is rare. At this time, the clinical significance of this variant is uncertain due to the absence of conclusive functional and genetic evidence.

NM_002660.3(PLCG1):c.2132A>G (p.Lys711Arg)

Gene: PLCG1 (phospholipase C gamma 1; plus strand). Cytogenetic location: 20q12.
Variant type: single nucleotide variant.
Coding change: c.2132A>G on transcript NM_002660.3 (MANE Select); coding-DNA position 2132, A replaced by G.
Protein change: p.Lys711Arg; replaces lysine 711 with arginine.
Molecular consequence: missense variant.
Genome position (GRCh38, 1-based): chr20:41,166,690, A>G. VCF-style: chr20-41166690-A-G. GRCh37 (hg19) VCF-style: chr20-39795330-A-G.
Other names: c.2132A>G, p.Lys711Arg (NM_182811.2); short protein forms K711R.
Identifiers: ClinVar variation 4981032 (VCV004981032.1).
Genomic context (GRCh38, chr20:41,166,690, plus strand): 5'-TTGGGTCTGAGCTGCCCTGACCCTGTGTGACTGTTTTGTCCTTGTGAAGGGCTGAGGGCA[A>G]GATCAAGCATTGCCGTGTCCAGCAAGAGGGCCAGACAGTGATGCTAGGGAACTCGGAGTT-3'
Protein context (NP_002651.2, residues 701-721): SYAISFRAEG[Lys711Arg]IKHCRVQQEG